The following is an entry in ClinVar:

NM_001161352.2(KCNMA1):c.646C>G (p.Gln216Glu)

Gene: KCNMA1 (potassium calcium-activated channel subfamily M alpha 1; minus strand). Cytogenetic location: 10q22.3.
Variant type: single nucleotide variant.
Coding change: c.646C>G on transcript NM_001161352.2 (MANE Select); coding-DNA position 646, C replaced by G.
Protein change: p.Gln216Glu; replaces glutamine 216 with glutamic acid.
Molecular consequence: missense variant.
Genome position (GRCh38, 1-based): chr10:77,184,873, G>C on the plus strand (C>G on the coding strand, the complement: KCNMA1 is on the minus strand). VCF-style: chr10-77184873-G-C. GRCh37 (hg19) VCF-style: chr10-78944631-G-C.
Other names: c.646C>G, p.Gln216Glu (NM_001014797.3, NM_001161353.2, NM_001271519.2 and 8 more transcripts); c.484C>G, p.Gln162Glu (NM_001271518.2); c.106C>G, p.Gln36Glu (NM_001322838.2); short protein forms Q36E, Q216E, Q162E.
Identifiers: ClinVar variation 3718388 (VCV003718388.2).

ClinVar aggregate classification (germline): Uncertain significance (1 of 4 stars; one submission).

Conditions:
Generalized epilepsy-paroxysmal dyskinesia syndrome (PNKD3). Also called: Generalized epilepsy and paroxysmal dyskinesia; Paroxysmal nonkinesigenic dyskinesia, 3, with or without generalized epilepsy. Identifiers: Orphanet 79137, MedGen C5574945, MONDO:0012276, OMIM 609446.

Submission:

Labcorp Genetics (formerly Invitae), Labcorp
Classification: Uncertain significance for Generalized epilepsy-paroxysmal dyskinesia syndrome. Last evaluated: 2025-01-17. Review status: criteria provided, single submitter. Criteria: Invitae Variant Classification Sherloc (09022015). Collection method: clinical testing. Allele origin: germline.
Comment: This sequence change replaces glutamine, which is neutral and polar, with glutamic acid, which is acidic and polar, at codon 216 of the KCNMA1 protein (p.Gln216Glu). This variant is not present in population databases (gnomAD no frequency). This variant has not been reported in the literature in individuals affected with KCNMA1-related conditions. Invitae Evidence Modeling of protein sequence and biophysical properties (such as structural, functional, and spatial information, amino acid conservation, physicochemical variation, residue mobility, and thermodynamic stability) indicates that this missense variant is expected to disrupt KCNMA1 protein function with a positive predictive value of 80%. In summary, the available evidence is currently insufficient to determine the role of this variant in disease. Therefore, it has been classified as a Variant of Uncertain Significance.